The following is an entry in ClinVar:

NM_005751.5(AKAP9):c.10472A>T (p.Lys3491Ile)

Gene: AKAP9 (A-kinase anchoring protein 9; plus strand). Cytogenetic location: 7q21.2.
Variant type: single nucleotide variant.
Coding change: c.10472A>T on transcript NM_005751.5 (MANE Select); coding-DNA position 10472, A replaced by T.
Protein change: p.Lys3491Ile; replaces lysine 3491 with isoleucine.
Molecular consequence: missense variant.
Genome position (GRCh38, 1-based): chr7:92,097,659, A>T. VCF-style: chr7-92097659-A-T. GRCh37 (hg19) VCF-style: chr7-91726973-A-T.
Other names: c.5117A>T, p.Lys1706Ile (NM_001379277.1); c.10448A>T, p.Lys3483Ile (NM_147185.3); short protein forms K1706I, K3483I, K3491I.
Identifiers: ClinVar variation 3517359 (VCV003517359.1).

ClinVar aggregate classification (germline): Uncertain significance (1 of 4 stars; one submission).

Conditions:
Cardiovascular phenotype. Identifiers: MedGen CN230736.

Submission:

Ambry Genetics
Classification: Uncertain significance for Cardiovascular phenotype. Last evaluated: 2024-11-27. Review status: criteria provided, single submitter. Criteria: Ambry Variant Classification Scheme 2023. Collection method: clinical testing. Allele origin: germline.
Comment: The p.K3491I variant (also known as c.10472A>T), located in coding exon 42 of the AKAP9 gene, results from an A to T substitution at nucleotide position 10472. The lysine at codon 3491 is replaced by isoleucine, an amino acid with dissimilar properties. This amino acid position is conserved. In addition, this alteration is predicted to be tolerated by in silico analysis. Based on the available evidence, the clinical significance of this variant remains unclear.